The following is an entry in ClinVar:

ClinVar aggregate classification (germline): Pathogenic (1 of 4 stars; one submission).

Conditions:
Familial cancer of breast. Also called: Hereditary breast cancer; BREAST CANCER, FAMILIAL; hereditary breast carcinoma. Identifiers: Orphanet 227535, MedGen C0346153, MONDO:0016419, OMIM 114480. Disease mechanism: loss of function.

Submission:

Labcorp Genetics (formerly Invitae), Labcorp
Classification: Pathogenic for Familial cancer of breast. Last evaluated: 2023-12-18. Review status: criteria provided, single submitter. Criteria: Invitae Variant Classification Sherloc (09022015). Collection method: clinical testing. Allele origin: germline.
Comment: This sequence change creates a premature translational stop signal (p.Gln60Leufs*10) in the PALB2 gene. It is expected to result in an absent or disrupted protein product. Loss-of-function variants in PALB2 are known to be pathogenic (PMID: 17200668, 17200671, 17200672, 24136930, 25099575). This variant is not present in population databases (gnomAD no frequency). This variant has not been reported in the literature in individuals affected with PALB2-related conditions. For these reasons, this variant has been classified as Pathogenic.

Literature cited by the submitters: PubMed 17200668; PubMed 17200671; PubMed 17200672; PubMed 24136930; PubMed 25099575.

NM_024675.4(PALB2):c.179_189del (p.Gln60fs)

Gene: PALB2 (partner and localizer of BRCA2; minus strand). Cytogenetic location: 16p12.2.
Variant type: Deletion.
Coding change: c.179_189del on transcript NM_024675.4 (MANE Select); coding-DNA positions 179 to 189, 11 bases deleted (AGCAGGATCTC).
Protein change: p.Gln60fs; shifts the reading frame from glutamine 60.
Molecular consequence: frameshift variant. On other transcripts: 5 prime UTR variant (8), intron variant (3).
Genome position (GRCh38, 1-based): chr16:23,637,872-23,637,882, GAGATCCTGCT deleted on the plus strand (AGCAGGATCTC on the coding strand, the reverse complement: PALB2 is on the minus strand); deleting any 11 consecutive bases within chr16:23,637,872-23,637,886 gives the same sequence; the c. name uses the placement nearest the transcript's 3' end. VCF-style (leftmost placement, unchanged base first): chr16-23637871-AGAGATCCTGCT-A. GRCh37 (hg19) VCF-style: chr16-23649192-AGAGATCCTGCT-A.
Other names: c.119_129del, p.Gln40fs (NM_001407296.1); c.179_189del, p.Gln60fs (NM_001407297.1, NM_001407298.1, NM_001407299.1 and 3 more transcripts); c.-707_-697del (NM_001407304.1, NM_001407305.1, NM_001407306.1 and 5 more transcripts); c.48+3228_48+3238del (NM_001407314.1); c.-105+3228_-105+3238del (NM_001407313.1, NM_001407312.1); short protein forms Q60fs, Q40fs.
Identifiers: ClinVar variation 2703859 (VCV002703859.3), dbSNP rs2506533950, ClinGen allele CA2697555750.